The following is an entry in ClinVar:

ClinVar aggregate classification (germline): Pathogenic (1 of 4 stars; one submission).

gnomAD v4.1: 10 of 1,611,914 alleles (0.00062%); highest among the groups gnomAD compares: Non-Finnish European, 0.00076%; no homozygotes.

Submission:

Labcorp Genetics (formerly Invitae), Labcorp
Classification: Pathogenic. Last evaluated: 2025-07-16. Review status: criteria provided, single submitter. Criteria: Invitae Variant Classification Sherloc (09022015). Collection method: clinical testing. Allele origin: germline.
Comment: This sequence change creates a premature translational stop signal (p.Ser25*) in the SAG gene. It is expected to result in an absent or disrupted protein product. Loss-of-function variants in SAG are known to be pathogenic (PMID: 9452120, 15234147, 22665972). This variant is present in population databases (rs374930316, gnomAD 0.002%). This variant has not been reported in the literature in individuals affected with SAG-related conditions. ClinVar contains an entry for this variant (Variation ID: 1452228). For these reasons, this variant has been classified as Pathogenic.

Literature cited by the submitters: PubMed 9452120; PubMed 15234147; PubMed 22665972.

NM_000541.5(SAG):c.74C>A (p.Ser25Ter)

Gene: SAG (S-antigen visual arrestin; plus strand). Cytogenetic location: 2q37.1.
Variant type: single nucleotide variant.
Coding change: c.74C>A on transcript NM_000541.5 (MANE Select); coding-DNA position 74, C replaced by A.
Protein change: p.Ser25Ter; replaces serine 25 with a stop codon.
Molecular consequence: nonsense.
Genome position (GRCh38, 1-based): chr2:233,309,263, C>A. VCF-style: chr2-233309263-C-A. GRCh37 (hg19) VCF-style: chr2-234217909-C-A.
Other names: short protein forms S25*.
Identifiers: ClinVar variation 1452228 (VCV001452228.6), dbSNP rs374930316, ClinGen allele CA2174188.